The following is an entry in ClinVar:

ClinVar aggregate classification (germline): Uncertain significance (1 of 4 stars; one submission).

Submission:

Ambry Genetics
Classification: Uncertain significance. Last evaluated: 2025-11-10. Review status: criteria provided, single submitter. Criteria: Ambry Variant Classification Scheme 2023. Collection method: clinical testing. Allele origin: germline.
Comment: The p.K366R variant (also known as c.1097A>G), located in coding exon 6 of the GFI1 gene, results from an A to G substitution at nucleotide position 1097. The lysine at codon 366 is replaced by arginine, an amino acid with highly similar properties. This amino acid position is conserved. In addition, this alteration is predicted to be tolerated by in silico analysis. Based on the available evidence, the clinical significance of this variant remains unclear.

NM_005263.5(GFI1):c.1097A>G (p.Lys366Arg)

Genes: GFI1 (growth factor independent 1 transcriptional repressor; minus strand), LOC129930930 (ATAC-STARR-seq lymphoblastoid active region 1314; plus strand). Cytogenetic location: 1p22.1.
Variant type: single nucleotide variant.
Coding change: c.1097A>G on transcript NM_005263.5 (MANE Select); coding-DNA position 1097, A replaced by G.
Protein change: p.Lys366Arg; replaces lysine 366 with arginine.
Molecular consequence: missense variant.
Genome position (GRCh38, 1-based): chr1:92,476,201, T>C on the plus strand (A>G on the coding strand, the complement: GFI1 is on the minus strand). VCF-style: chr1-92476201-T-C. GRCh37 (hg19) VCF-style: chr1-92941758-T-C.
Other names: c.1097A>G, p.Lys366Arg (NM_001127215.3, NM_001127216.3); short protein forms K366R.
Identifiers: ClinVar variation 4671596 (VCV004671596.1).